The following is an entry in ClinVar:

NM_005866.4(SIGMAR1):c.520G>A (p.Gly174Ser)

Gene: SIGMAR1 (sigma receptor chaperone 1; minus strand). Cytogenetic location: 9p13.3.
Variant type: single nucleotide variant.
Coding change: c.520G>A on transcript NM_005866.4 (MANE Select); coding-DNA position 520, G replaced by A.
Protein change: p.Gly174Ser; replaces glycine 174 with serine.
Molecular consequence: missense variant. On other transcripts: 3 prime UTR variant (2), non-coding transcript variant (1), intron variant (1).
Genome position (GRCh38, 1-based): chr9:34,635,784, C>T on the plus strand (G>A on the coding strand, the complement: SIGMAR1 is on the minus strand). VCF-style: chr9-34635784-C-T. GRCh37 (hg19) VCF-style: chr9-34635781-C-T.
Other names: c.220G>A, p.Gly74Ser (NM_001282206.2); c.460G>A, p.Gly154Ser (NM_001282207.2); c.*63G>A (NM_001282208.2); c.*47G>A (NM_001282209.2); c.427G>A, p.Gly143Ser (NM_147157.3); c.446-144G>A (NM_001282205.2); short protein forms G174S, G74S, G143S, G154S.
Identifiers: ClinVar variation 1746098 (VCV001746098.4), dbSNP rs773684539, ClinGen allele CA5035846.

ClinVar aggregate classification (germline): Uncertain significance. Review status: criteria provided, multiple submitters, no conflicts (2 of 4 stars). 2 submissions from 2 submitters: Uncertain significance (2). Last evaluated 2024-08-31.

Conditions:
Amyotrophic lateral sclerosis type 16. Also called: AMYOTROPHIC LATERAL SCLEROSIS 16, JUVENILE. Identifiers: Orphanet 300605, MedGen C3280587, MONDO:0013715, OMIM 614373.
Autosomal recessive distal spinal muscular atrophy 2. Also called: NEURONOPATHY, DISTAL HEREDITARY MOTOR, JERASH TYPE; NEUROPATHY, DISTAL HEREDITARY MOTOR, JERASH TYPE; SPINAL MUSCULAR ATROPHY, JERASH TYPE; Hereditary motor neuropathy, Jerash type; Motor neuropathy, distal, Jerash type; NEUROPATHY, DISTAL HEREDITARY MOTOR, AUTOSOMAL RECESSIVE 2. Identifiers: Orphanet 139552, MedGen C1854023, MONDO:0011585, OMIM 605726.
Inborn genetic diseases. Identifiers: MedGen C0950123, MeSH D030342.

Allele frequency attached by ClinVar (database versions not stated): ExAC 0.00002; TOPMed below 0.00001; gnomAD 0.00001.
gnomAD v4.1: 15 of 1,614,084 alleles (0.00093%); highest among the groups gnomAD compares: East Asian, 0.0045%; no homozygotes.

Submissions (2):

Labcorp Genetics (formerly Invitae), Labcorp
Classification: Uncertain significance for Autosomal recessive distal spinal muscular atrophy 2; Amyotrophic lateral sclerosis type 16. Last evaluated: 2024-08-31. Review status: criteria provided, single submitter. Criteria: Invitae Variant Classification Sherloc (09022015). Collection method: clinical testing. Allele origin: germline.
Comment: This sequence change replaces glycine, which is neutral and non-polar, with serine, which is neutral and polar, at codon 174 of the SIGMAR1 protein (p.Gly174Ser). This variant is present in population databases (rs773684539, gnomAD 0.004%). This missense change has been observed in individual(s) with clinical features of SIGMAR1-related conditions (internal data). In at least one individual the data is consistent with being in trans (on the opposite chromosome) from a pathogenic variant. ClinVar contains an entry for this variant (Variation ID: 1746098). An algorithm developed to predict the effect of missense changes on protein structure and function (PolyPhen-2) suggests that this variant is likely to be disruptive. In summary, the available evidence is currently insufficient to determine the role of this variant in disease. Therefore, it has been classified as a Variant of Uncertain Significance.

Ambry Genetics
Classification: Uncertain significance for Inborn genetic diseases. Last evaluated: 2022-02-26. Review status: criteria provided, single submitter. Criteria: Ambry Variant Classification Scheme 2023. Collection method: clinical testing. Allele origin: germline.
Comment: The p.G174S variant (also known as c.520G>A), located in coding exon 4 of the SIGMAR1 gene, results from a G to A substitution at nucleotide position 520. The glycine at codon 174 is replaced by serine, an amino acid with similar properties. This amino acid position is conserved. In addition, this alteration is predicted to be deleterious by in silico analysis. Since supporting evidence is limited at this time, the clinical significance of this alteration remains unclear.